The following is an entry in ClinVar:

NM_000081.4(LYST):c.2316C>T (p.Asp772=)

Gene: LYST (lysosomal trafficking regulator; minus strand). Cytogenetic location: 1q42.3.
Variant type: single nucleotide variant.
Coding change: c.2316C>T on transcript NM_000081.4 (MANE Select); coding-DNA position 2316, C replaced by T.
Protein change: p.Asp772=; no amino-acid change (aspartic acid 772 retained).
Molecular consequence: synonymous variant.
Genome position (GRCh38, 1-based): chr1:235,808,502, G>A on the plus strand (C>T on the coding strand, the complement: LYST is on the minus strand). VCF-style: chr1-235808502-G-A. GRCh37 (hg19) VCF-style: chr1-235971802-G-A.
Other names: p.Asp772=; c.2316C>T, p.Asp772= (NM_001301365.1).
Identifiers: ClinVar variation 254914 (VCV000254914.21), dbSNP rs16832868, ClinGen allele CA1467327.

ClinVar aggregate classification (germline): Benign/Likely benign. Review status: criteria provided, multiple submitters, no conflicts (2 of 4 stars). 7 submissions from 7 submitters: Benign (6); Likely benign (1). Last evaluated 2026-02-04.

Conditions:
Chédiak-Higashi syndrome (CHS). Also called: Chediak-Higashi Syndrome. Identifiers: Orphanet 167, MedGen C0007965, MONDO:0008963, OMIM 214500.

Allele frequency attached by ClinVar (database versions not stated): ExAC 0.01832; gnomAD 0.05502 and 0.05899; 1000 Genomes Project 0.06170; TOPMed 0.06186; 1000 Genomes Project 30x 0.06230; ESP Exome Variant Server 0.06435.
gnomAD v4.1: 16,588 of 1,613,264 alleles (1%); highest among the groups gnomAD compares: African/African-American, 19%; 1,391 homozygotes.

Submissions (7):

Labcorp Genetics (formerly Invitae), Labcorp
Classification: Benign for Chédiak-Higashi syndrome. Last evaluated: 2026-02-04. Review status: criteria provided, single submitter. Criteria: Invitae Variant Classification Sherloc (09022015). Collection method: clinical testing. Allele origin: germline.

Blueprint Genetics
Classification: Likely benign. Last evaluated: 2024-11-25. Review status: criteria provided, single submitter. Criteria: ACMG Guidelines, 2015. Collection method: clinical testing. Allele origin: germline.

Mayo Clinic Laboratories, Mayo Clinic
Classification: Benign. Last evaluated: 2023-07-09. Review status: criteria provided, single submitter. Criteria: ACMG Guidelines, 2015. Collection method: clinical testing. Allele origin: germline. Observed: 123 variant alleles.

GeneDx
Classification: Benign. Last evaluated: 2018-06-13. Review status: criteria provided, single submitter. Criteria: GeneDx Variant Classification (06012015). Collection method: clinical testing. Allele origin: germline. Affected: yes.
Comment: This variant is considered likely benign or benign based on one or more of the following criteria: it is a conservative change, it occurs at a poorly conserved position in the protein, it is predicted to be benign by multiple in silico algorithms, and/or has population frequency not consistent with disease.

Illumina Laboratory Services, Illumina
Classification: Benign for Chédiak-Higashi syndrome. Last evaluated: 2018-01-13. Review status: criteria provided, single submitter. Criteria: ICSL Variant Classification Criteria 13 December 2019. Collection method: clinical testing. Allele origin: germline.
Comment: This variant was observed in the ICSL laboratory as part of a predisposition screen in an ostensibly healthy population. It had not been previously curated by ICSL or reported in the Human Gene Mutation Database (HGMD: prior to June 1st, 2018), and was therefore a candidate for classification through an automated scoring system. Utilizing variant allele frequency, disease prevalence and penetrance estimates, and inheritance mode, an automated score was calculated to assess if this variant is too frequent to cause the disease. Based on the score and internal cut-off values, a variant classified as benign is not then subjected to further curation. The score for this variant resulted in a classification of benign for this disease.

Breakthrough Genomics
Classification: Benign. Review status: criteria provided, single submitter. Criteria: ACMG Guidelines, 2015. Collection method: not provided. Allele origin: germline. Inheritance: Autosomal recessive inheritance. Affected: yes.

PreventionGenetics, part of Exact Sciences
Classification: Benign. Review status: criteria provided, single submitter. Criteria: ACMG Guidelines, 2015. Collection method: clinical testing. Allele origin: germline.